The following is an entry in ClinVar:

NM_012106.4(ARL2BP):c.484C>T (p.Arg162Trp)

Gene: ARL2BP (ARF like GTPase 2 binding protein; plus strand). Cytogenetic location: 16q13.
Variant type: single nucleotide variant.
Coding change: c.484C>T on transcript NM_012106.4 (MANE Select); coding-DNA position 484, C replaced by T.
Protein change: p.Arg162Trp; replaces arginine 162 with tryptophan.
Molecular consequence: missense variant.
Genome position (GRCh38, 1-based): chr16:57,252,259, C>T. VCF-style: chr16-57252259-C-T. GRCh37 (hg19) VCF-style: chr16-57286171-C-T.
Other names: short protein forms R162W.
Identifiers: ClinVar variation 1525639 (VCV001525639.6), dbSNP rs189955742, ClinGen allele CA8074968.

ClinVar aggregate classification (germline): Conflicting classifications of pathogenicity. Review status: criteria provided, conflicting classifications (1 of 4 stars). 2 submissions from 2 submitters: Uncertain significance (1); Likely benign (1). Last evaluated 2024-08-13.

Allele frequency attached by ClinVar (database versions not stated): gnomAD 0.00001; TOPMed 0.00002; gnomAD exomes 0.00009 and 0.00014; 1000 Genomes Project 30x 0.00016; ExAC 0.00016; 1000 Genomes Project 0.00020.
gnomAD v4.1: 134 of 1,614,152 alleles (0.0083%); highest among the groups gnomAD compares: South Asian, 0.11%; 3 homozygotes.

Submissions (2):

Blueprint Genetics
Classification: Likely benign. Last evaluated: 2024-08-13. Review status: criteria provided, single submitter. Criteria: ACMG Guidelines, 2015. Collection method: clinical testing. Allele origin: germline.

Labcorp Genetics (formerly Invitae), Labcorp
Classification: Uncertain significance. Last evaluated: 2022-10-24. Review status: criteria provided, single submitter. Criteria: Invitae Variant Classification Sherloc (09022015). Collection method: clinical testing. Allele origin: germline.
Comment: This sequence change replaces arginine, which is basic and polar, with tryptophan, which is neutral and slightly polar, at codon 162 of the ARL2BP protein (p.Arg162Trp). This variant is present in population databases (rs189955742, gnomAD 0.09%). This variant has not been reported in the literature in individuals affected with ARL2BP-related conditions. ClinVar contains an entry for this variant (Variation ID: 1525639). Algorithms developed to predict the effect of missense changes on protein structure and function output the following: SIFT: "Deleterious"; PolyPhen-2: "Benign"; Align-GVGD: "Class C0". The tryptophan amino acid residue is found in multiple mammalian species, which suggests that this missense change does not adversely affect protein function. In summary, the available evidence is currently insufficient to determine the role of this variant in disease. Therefore, it has been classified as a Variant of Uncertain Significance.